The following is an entry in ClinVar:

ClinVar aggregate classification (germline): Likely benign (1 of 4 stars; one submission).

Conditions:
HSD17B13-related condition.

Submission:

PreventionGenetics, part of Exact Sciences
Classification: Likely benign for HSD17B13-related condition. Last evaluated: 2025-11-20. Review status: criteria provided, single submitter. Criteria: ACMG Guidelines, 2015. Collection method: clinical testing. Allele origin: germline.
Comment: This variant is classified as likely benign based on ACMG/AMP sequence variant interpretation guidelines (Richards et al. 2015 PMID: 25741868, with internal and published modifications).

NM_178135.5(HSD17B13):c.294_298del (p.Glu98fs)

Gene: HSD17B13 (hydroxysteroid 17-beta dehydrogenase 13; minus strand). Cytogenetic location: 4q22.1.
Variant type: Microsatellite.
Coding change: c.294_298del on transcript NM_178135.5 (MANE Select); coding-DNA positions 294 to 298, 5 bases deleted (AGAGA; older notation c.294_298delAGAGA).
Protein change: p.Glu98fs; shifts the reading frame from glutamic acid 98.
Molecular consequence: frameshift variant. On other transcripts: intron variant (1).
Genome position (GRCh38, 1-based): chr4:87,318,349-87,318,353, TCTCT deleted on the plus strand (AGAGA on the coding strand, the reverse complement: HSD17B13 is on the minus strand); deleting any 5 consecutive bases within chr4:87,318,349-87,318,358 gives the same sequence; the c. name uses the placement nearest the transcript's 3' end. VCF-style (leftmost placement, unchanged base first): chr4-87318348-ATCTCT-A. GRCh37 (hg19) VCF-style: chr4-88239500-ATCTCT-A.
Other names: c.211-1130_211-1126del (NM_001136230.3); short protein forms E98fs.
Identifiers: ClinVar variation 4979426 (VCV004979426.1).